The following is an entry in ClinVar:

NM_004883.3(NRG2):c.5G>A (p.Arg2Gln)

Gene: NRG2 (neuregulin 2; minus strand). Cytogenetic location: 5q31.2.
Variant type: single nucleotide variant.
Coding change: c.5G>A on transcript NM_004883.3 (MANE Select); coding-DNA position 5, G replaced by A.
Protein change: p.Arg2Gln; replaces arginine 2 with glutamine.
Molecular consequence: missense variant.
Genome position (GRCh38, 1-based): chr5:140,043,065, C>T on the plus strand (G>A on the coding strand, the complement: NRG2 is on the minus strand). VCF-style: chr5-140043065-C-T. GRCh37 (hg19) VCF-style: chr5-139422650-C-T.
Other names: c.5G>A, p.Arg2Gln (NM_001184935.2, NM_013981.4, NM_013982.3 and 1 more transcripts); short protein forms R2Q.
Identifiers: ClinVar variation 3239405 (VCV003239405.19), dbSNP rs2480615856.
Genomic context (GRCh38, chr5:140,043,065, plus strand): 5'-TAGCTGCTGCACCGACCCTTCTCCAGTGGCGGCGGCGGCAGCGCTGAGCAGCAAACCTGC[C>T]GCATCTGGCCAGGCCATTTGGGGGGCTCCGCCGCTCAGCCGCCGCCGCCTTGGGAGGGGA-3'
Protein context (NP_004874.1, residues 1-12): M[Arg2Gln]QVCCSALPPP

ClinVar aggregate classification (germline): Uncertain significance (1 of 4 stars; one submission).

gnomAD v4.1: 1 of 1,561,832 alleles (0.000064%); highest among the groups gnomAD compares: Non-Finnish European, 0.000086%; no homozygotes.

Submission:

CeGaT Center for Human Genetics Tuebingen
Classification: Uncertain significance. Last evaluated: 2024-05-01. Review status: criteria provided, single submitter. Criteria: CeGaT Center For Human Genetics Tuebingen Variant Classification Criteria Version 2. Collection method: clinical testing. Allele origin: germline. Affected: yes. Observed: 1 variant allele.
Comment: NRG2: PM2